The following is an entry in ClinVar:

ClinVar aggregate classification (germline): Conflicting classifications of pathogenicity. Review status: criteria provided, conflicting classifications (1 of 4 stars). 5 submissions from 5 submitters: Likely pathogenic (4); Uncertain significance (1). Last evaluated 2025-01-15.

Conditions:
Acute lymphoid leukemia (ALL). Also called: Lymphoblastic leukemia; Acute lymphoblastic leukemia; Acute lymphocytic leukemia; Leukemia, acute lymphoblastic, somatic. Identifiers: Orphanet 513, MedGen C0023449, MONDO:0004967, OMIM 613065, HP:0006721.
Microcephaly, normal intelligence and immunodeficiency (NBS). Also called: BERLIN BREAKAGE SYNDROME; Ataxia telangiectasia variant V1; IMMUNODEFICIENCY, MICROCEPHALY, AND CHROMOSOMAL INSTABILITY; SEEMANOVA SYNDROME II; Nijmegen breakage syndrome; Microcephaly with normal intelligence immunodeficiency and lymphoreticular malignancies. Identifiers: Orphanet 647, MedGen C0398791, MONDO:0009623, OMIM 251260.
Aplastic anemia. Identifiers: Orphanet 182040, Orphanet 88, MedGen C0002874, MONDO:0015909, OMIM 609135, HP:0001915.
Hereditary cancer-predisposing syndrome. Also called: Hereditary Cancer Syndrome; Neoplastic Syndromes, Hereditary; Tumor predisposition; Hereditary neoplastic syndrome. Identifiers: Orphanet 140162, MedGen C0027672, MeSH D009386, MONDO:0015356.

Submissions (5):

GeneDx
Classification: Likely pathogenic. Last evaluated: 2025-01-15. Review status: criteria provided, single submitter. Criteria: GeneDx Variant Classification Process June 2021. Collection method: clinical testing. Allele origin: germline. Affected: yes.
Comment: Canonical splice site variant predicted to result in an in-frame deletion of exon 10; Not observed at significant frequency in large population cohorts (gnomAD); Has not been previously published as pathogenic or benign to our knowledge

Ambry Genetics
Classification: Likely pathogenic for Hereditary cancer-predisposing syndrome. Last evaluated: 2024-06-18. Review status: criteria provided, single submitter. Criteria: Ambry Variant Classification Scheme 2023. Collection method: clinical testing. Allele origin: germline.
Comment: The c.1397+1_1397+9delGTCTGTTTTinsACA intronic variant, located downstream of coding exon 10 in the NBN gene, results from a deletion of 9 nucleotides and the insertion of 3 nucleotides at positions c.1397+1 to c.1397+9. This replaces the highly conserved canonical splice donor sequence in this region. Using the BDGP and ESEfinder splice site prediction tools, this alteration is predicted to abolish the native donor splice site; however, direct evidence is insufficient at this time (Ambry internal data). Alterations that disrupt the canonical splice site are expected to cause aberrant splicing, resulting in an abnormal protein or a transcript that is subject to nonsense-mediated mRNA decay. As such, this alteration is classified as likely pathogenic.

Fulgent Genetics
Classification: Likely pathogenic for Microcephaly, normal intelligence and immunodeficiency; Aplastic anemia; Acute lymphoid leukemia. Last evaluated: 2024-06-15. Review status: criteria provided, single submitter. Criteria: ACMG Guidelines, 2015. Collection method: clinical testing. Allele origin: germline.

St. Jude Molecular Pathology, St. Jude Children's Research Hospital
Classification: Uncertain significance for Microcephaly, normal intelligence and immunodeficiency. Last evaluated: 2024-05-01. Review status: criteria provided, single submitter. Criteria: St. Jude Assertion Criteria 2020. Collection method: clinical testing. Allele origin: germline.
Comment: The NBN c.1397+1_1397+9delinsACA intronic change involves replacing nine nucleotides with three new nucleotides at the position 1397+1_1397+9 of intron 10 of the NBN gene. This variant is listed in ClinVar as likely pathogenic (SCV000276366.6), primarily based on in silico predictions. This variant is predicted to result in loss of the native splice donor site and abnormal gene splicing, resulting in nonsense-mediated decay or an abnormal protein product. To our knowledge, no functional studies have been performed to validate these predictions. Internal RNAseq data from the paired tumor sample compared to other similar tumor RNA data do not indicate an apparent abnormal splicing pattern although the assessment regarding potential intron retention is inconclusive. This variant is absent in gnomAD v2.1.1. To our knowledge, this variant has not been reported in individuals with Nijmegen breakage syndrome or NBN-associated cancers. In summary, the evidence currently available is insufficient to determine the clinical significance of this variant. It has therefore been classified as of uncertain significance.

Baylor Genetics
Classification: Likely pathogenic for Aplastic anemia. Last evaluated: 2024-02-27. Review status: criteria provided, single submitter. Criteria: ACMG Guidelines, 2015. Collection method: clinical testing. Allele origin: unknown.

NM_002485.5(NBN):c.1397+1_1397+9delinsACA

Gene: NBN (nibrin; minus strand). Cytogenetic location: 8q21.3.
Variant type: Indel.
Coding change: c.1397+1_1397+9delinsACA on transcript NM_002485.5 (MANE Select); the canonical splice donor site of the intron after coding-DNA position 1397 through 9 bases into the intron after coding-DNA position 1397, GTCTGTTTT replaced by ACA.
Molecular consequence: splice donor variant.
Genome position (GRCh38, 1-based): chr8:89,955,274-89,955,282, AAAACAGAC replaced by TGT on the plus strand (GTCTGTTTT replaced by ACA on the coding strand, the reverse complement: NBN is on the minus strand). VCF-style: chr8-89955274-AAAACAGAC-TGT. GRCh37 (hg19) VCF-style: chr8-90967502-AAAACAGAC-TGT.
Other names: c.1397+1_1397+9delGTCTGTTTTinsACA (NM_002485.4); c.1151+1_1151+9delinsACA (NM_001024688.3).
Identifiers: ClinVar variation 232275 (VCV000232275.16), dbSNP rs876659666, ClinGen allele CA10578765.